The following is an entry in ClinVar:

NM_005802.5(TOPORS):c.196G>A (p.Glu66Lys)

Gene: TOPORS (TOP1 binding arginine/serine rich protein, E3 ubiquitin ligase; minus strand). Cytogenetic location: 9p21.1.
Variant type: single nucleotide variant.
Coding change: c.196G>A on transcript NM_005802.5 (MANE Select); coding-DNA position 196, G replaced by A.
Protein change: p.Glu66Lys; replaces glutamic acid 66 with lysine.
Molecular consequence: missense variant. On other transcripts: intron variant (1).
Genome position (GRCh38, 1-based): chr9:32,550,776, C>T on the plus strand (G>A on the coding strand, the complement: TOPORS is on the minus strand). VCF-style: chr9-32550776-C-T. GRCh37 (hg19) VCF-style: chr9-32550774-C-T.
Other names: c.3+1658G>A (NM_001195622.2); short protein forms E66K.
Identifiers: ClinVar variation 2530387 (VCV002530387.4), dbSNP rs369398862, ClinGen allele CA5020703.
Genomic context (GRCh38, chr9:32,550,776, plus strand): 5'-GCGCCAACTCCCACGGCCCTTCCGACCCCCGCGTCCCATTGTTCCGAATCTCACTCACCT[C>T]GGAGGATGCCGGCGCAGGCCTGGCTGGGGCGCTCGCCGCGAGCTCCCGGCAGCCCAGAAA-3'
Protein context (NP_005793.2, residues 56-76): APARPAPASS[Glu66Lys]IMASAAKEFK

ClinVar aggregate classification (germline): Uncertain significance. Review status: criteria provided, multiple submitters, no conflicts (2 of 4 stars). 2 submissions from 2 submitters: Uncertain significance (2). Last evaluated 2024-08-15.

Conditions:
Inborn genetic diseases. Identifiers: MedGen C0950123, MeSH D030342.

Allele frequency attached by ClinVar (database versions not stated): gnomAD 0.00001; TOPMed 0.00002; ExAC 0.00003; gnomAD exomes 0.00003; ESP Exome Variant Server 0.00008.
gnomAD v4.1: 49 of 1,612,808 alleles (0.003%); highest among the groups gnomAD compares: Non-Finnish European, 0.0038%; no homozygotes.

Submissions (2):

Labcorp Genetics (formerly Invitae), Labcorp
Classification: Uncertain significance. Last evaluated: 2024-08-15. Review status: criteria provided, single submitter. Criteria: Invitae Variant Classification Sherloc (09022015). Collection method: clinical testing. Allele origin: germline.
Comment: This sequence change replaces glutamic acid, which is acidic and polar, with lysine, which is basic and polar, at codon 66 of the TOPORS protein (p.Glu66Lys). This variant is present in population databases (rs369398862, gnomAD 0.004%). This variant has not been reported in the literature in individuals affected with TOPORS-related conditions. ClinVar contains an entry for this variant (Variation ID: 2530387). An algorithm developed to predict the effect of missense changes on protein structure and function (PolyPhen-2) suggests that this variant is likely to be tolerated. In summary, the available evidence is currently insufficient to determine the role of this variant in disease. Therefore, it has been classified as a Variant of Uncertain Significance.

Ambry Genetics
Classification: Uncertain significance for Inborn genetic diseases. Last evaluated: 2023-03-28. Review status: criteria provided, single submitter. Criteria: Ambry Variant Classification Scheme 2023. Collection method: clinical testing. Allele origin: germline.